The following is an entry in ClinVar:

ClinVar aggregate classification (germline): Uncertain significance (1 of 4 stars; one submission).

Allele frequency attached by ClinVar (database versions not stated): gnomAD exomes below 0.00001.
gnomAD v4.1: 2 of 1,614,186 alleles (0.00012%); highest among the groups gnomAD compares: African/African-American, 0.0013%; no homozygotes.

Submission:

Labcorp Genetics (formerly Invitae), Labcorp
Classification: Uncertain significance. Last evaluated: 2022-02-09. Review status: criteria provided, single submitter. Criteria: Invitae Variant Classification Sherloc (09022015). Collection method: clinical testing. Allele origin: germline.
Comment: This variant has not been reported in the literature in individuals affected with SLC30A10-related conditions. This variant is not present in population databases (gnomAD no frequency). This sequence change creates a premature translational stop signal (p.Arg367*) in the SLC30A10 gene. While this is not anticipated to result in nonsense mediated decay, it is expected to disrupt the last 119 amino acid(s) of the SLC30A10 protein. This variant disrupts a region of the SLC30A10 protein in which other variant(s) (p.Leu397Thrfs*15) have been observed in individuals with SLC30A10-related conditions (PMID: 31970220). This suggests that this is a clinically significant region of the protein, and that variants that disrupt it are likely to be disease-causing. In summary, the available evidence is currently insufficient to determine the role of this variant in disease. Therefore, it has been classified as a Variant of Uncertain Significance.

Literature cited by the submitters: PubMed 31970220.

NM_018713.3(SLC30A10):c.1099C>T (p.Arg367Ter)

Gene: SLC30A10 (solute carrier family 30 member 10; minus strand). Cytogenetic location: 1q41.
Variant type: single nucleotide variant.
Coding change: c.1099C>T on transcript NM_018713.3 (MANE Select); coding-DNA position 1099, C replaced by T.
Protein change: p.Arg367Ter; replaces arginine 367 with a stop codon.
Molecular consequence: nonsense. On other transcripts: non-coding transcript variant (2).
Genome position (GRCh38, 1-based): chr1:219,915,808, G>A on the plus strand (C>T on the coding strand, the complement: SLC30A10 is on the minus strand). VCF-style: chr1-219915808-G-A. GRCh37 (hg19) VCF-style: chr1-220089150-G-A.
Other names: c.910C>T, p.Arg304Ter (NM_001376929.1); c.424C>T, p.Arg142Ter (NM_001416004.1, NM_001416005.1); short protein forms R142*, R367*, R304*.
Identifiers: ClinVar variation 2095775 (VCV002095775.4), dbSNP rs1659526183, ClinGen allele CA344732165.